The following is an entry in ClinVar:

ClinVar aggregate classification (germline): Uncertain significance (1 of 4 stars; one submission).

Conditions:
Malignant hyperthermia, susceptibility to, 1 (MHS1). Also called: RYR1-Related Malignant Hyperthermia Susceptibility; Anesthesia related hyperthermia; Malignant hyperpyrexia; Fulminating hyperpyrexia; Pharmacogenic myopathy; Malignant hyperthermia suceptibility 1. Identifiers: Orphanet 423, MedGen C2930980, MONDO:0007783, OMIM 145600.

Submission:

All of Us Research Program, National Institutes of Health
Classification: Uncertain significance for Malignant hyperthermia, susceptibility to, 1. Last evaluated: 2023-08-15. Review status: criteria provided, single submitter. Criteria: ACMG Guidelines, 2015. Collection method: clinical testing. Allele origin: germline. Inheritance: Autosomal dominant inheritance. Observed: 1 variant allele, 1 heterozygote.
Comment: This variant changes 1 nucleotide in exon 64 of the RYR1 gene, creating a premature translation stop signal. This variant is expected to result in an absent or non-functional protein product. To our knowledge, this variant has not been reported in individuals affected with RYR1-related disorders in the literature. This variant has not been identified in the general population by the Genome Aggregation Database (gnomAD). Loss of RYR1 function due to haploinsufficiency is not an established disease mechanism for autosomal dominant malignant hyperthermia, although it is associated with other phenotype(s) (. Due to insufficient evidence, this variant is classified as a Variant of Uncertain Significance for autosomal dominant malignant hyperthermia.

This study involves interpretation of variants in research participants for the purpose of population health screening. Participant phenotype was not available at the time of variant classification. Additional details can be found in publication PMID: 35346344, PMCID: PMC8962531

NM_000540.3(RYR1):c.9546T>G (p.Tyr3182Ter)

Gene: RYR1 (ryanodine receptor 1; plus strand). Cytogenetic location: 19q13.2.
Variant type: single nucleotide variant.
Coding change: c.9546T>G on transcript NM_000540.3 (MANE Select); coding-DNA position 9546, T replaced by G.
Protein change: p.Tyr3182Ter; replaces tyrosine 3182 with a stop codon.
Molecular consequence: nonsense.
Genome position (GRCh38, 1-based): chr19:38,515,099, T>G. VCF-style: chr19-38515099-T-G. GRCh37 (hg19) VCF-style: chr19-39005739-T-G.
Other names: c.9546T>G, p.Tyr3182Ter (NM_001042723.2); short protein forms Y3182*.
Identifiers: ClinVar variation 3069256 (VCV003069256.1), dbSNP rs780192158, ClinGen allele CA405689043.